The following is an entry in ClinVar:

ClinVar aggregate classification (germline): Conflicting classifications of pathogenicity. Review status: criteria provided, conflicting classifications (1 of 4 stars). 2 submissions from 2 submitters: Uncertain significance (1); Likely benign (1). Last evaluated 2025-12-15.

Conditions:
GLUT1 deficiency syndrome 1, autosomal recessive. Identifiers: MedGen C3149117.

Allele frequency attached by ClinVar (database versions not stated): gnomAD exomes 0.00001; gnomAD 0.00012; 1000 Genomes Project 30x 0.00016; 1000 Genomes Project 0.00020; TOPMed 0.00022.
gnomAD v4.1: 27 of 1,530,104 alleles (0.0018%); highest among the groups gnomAD compares: African/African-American, 0.031%; no homozygotes.

Submissions (2):

Labcorp Genetics (formerly Invitae), Labcorp
Classification: Uncertain significance for GLUT1 deficiency syndrome 1, autosomal recessive. Last evaluated: 2025-12-15. Review status: criteria provided, single submitter. Criteria: Invitae Variant Classification Sherloc (09022015). Collection method: clinical testing. Allele origin: germline.
Comment: This sequence change affects codon 6 of the SLC2A1 mRNA. It is a 'silent' change, meaning that it does not change the encoded amino acid sequence of the SLC2A1 protein. This variant also falls at the last nucleotide of exon 1, which is part of the consensus splice site for this exon. This variant is present in population databases (rs577329624, gnomAD 0.03%). This variant has not been reported in the literature in individuals affected with SLC2A1-related conditions. ClinVar contains an entry for this variant (Variation ID: 378602). Variants that disrupt the consensus splice site are a relatively common cause of aberrant splicing (PMID: 17576681, 9536098). Algorithms developed to predict the effect of sequence changes on RNA splicing suggest that this variant is not likely to affect RNA splicing. In summary, the available evidence is currently insufficient to determine the role of this variant in disease. Therefore, it has been classified as a Variant of Uncertain Significance.

GeneDx
Classification: Likely benign. Last evaluated: 2016-03-23. Review status: criteria provided, single submitter. Criteria: GeneDx Variant Classification (06012015). Collection method: clinical testing. Allele origin: germline. Affected: yes.
Comment: This variant is considered likely benign or benign based on one or more of the following criteria: it is a conservative change, it occurs at a poorly conserved position in the protein, it is predicted to be benign by multiple in silico algorithms, and/or has population frequency not consistent with disease.

Literature cited by the submitters: PubMed 17576681 (cited by Labcorp Genetics (formerly Invitae), Labcorp); PubMed 9536098 (cited by Labcorp Genetics (formerly Invitae), Labcorp).

NM_006516.4(SLC2A1):c.18G>A (p.Lys6=)

Gene: SLC2A1 (solute carrier family 2 member 1; minus strand). Cytogenetic location: 1p34.2.
Variant type: single nucleotide variant.
Coding change: c.18G>A on transcript NM_006516.4 (MANE Select); coding-DNA position 18, G replaced by A.
Protein change: p.Lys6=; no amino-acid change (lysine 6 retained).
Molecular consequence: synonymous variant.
Genome position (GRCh38, 1-based): chr1:42,958,634, C>T on the plus strand (G>A on the coding strand, the complement: SLC2A1 is on the minus strand). VCF-style: chr1-42958634-C-T. GRCh37 (hg19) VCF-style: chr1-43424305-C-T.
Identifiers: ClinVar variation 378602 (VCV000378602.9), dbSNP rs577329624, ClinGen allele CA16603701.